The following is an entry in ClinVar:

NM_203447.4(DOCK8):c.3502G>A (p.Ala1168Thr)

Gene: DOCK8 (dedicator of cytokinesis 8; plus strand). Cytogenetic location: 9p24.3.
Variant type: single nucleotide variant.
Coding change: c.3502G>A on transcript NM_203447.4 (MANE Select); coding-DNA position 3502, G replaced by A.
Protein change: p.Ala1168Thr; replaces alanine 1168 with threonine.
Molecular consequence: missense variant.
Genome position (GRCh38, 1-based): chr9:407,041, G>A. VCF-style: chr9-407041-G-A. GRCh37 (hg19) VCF-style: chr9-407041-G-A.
Other names: c.3298G>A, p.Ala1100Thr (NM_001193536.2); c.3202G>A, p.Ala1068Thr (NM_001190458.2); short protein forms A1068T, A1100T, A1168T.
Identifiers: ClinVar variation 2978329 (VCV002978329.3), dbSNP rs1412531929, ClinGen allele CA372758544.
Genomic context (GRCh38, chr9:407,041, plus strand): 5'-GATCTGACTTCCGAGTACCGCCAGCAGCACTTCCTCACCGGGCTCCTCTTCACAGAACTG[G>A]CTGCTGCCCTGGATGCCGAAGGGGAAGGGTATGTTTCTGGCATTTAAAATGGAAGATGAA-3'
Protein context (NP_982272.2, residues 1158-1178): FLTGLLFTEL[Ala1168Thr]AALDAEGEGI

ClinVar aggregate classification (germline): Uncertain significance (1 of 4 stars; one submission).

Conditions:
Combined immunodeficiency due to DOCK8 deficiency (HIES2). Also called: HIES autosomal recessive; HYPER-IgE RECURRENT INFECTION SYNDROME 2, AUTOSOMAL RECESSIVE; HYPER-IgE SYNDROME 2, AUTOSOMAL RECESSIVE, WITH RECURRENT INFECTIONS; DOCK8 Deficiency; Hyper-IgE recurrent infection syndrome, autosomal recessive. Identifiers: Orphanet 217390, MedGen C4722305, MONDO:0009478, OMIM 243700.

Allele frequency attached by ClinVar (database versions not stated): gnomAD exomes below 0.00001; TOPMed below 0.00001; gnomAD 0.00001.
gnomAD v4.1: 5 of 1,614,014 alleles (0.00031%); highest among the groups gnomAD compares: Non-Finnish European, 0.00042%; no homozygotes.

Submission:

Labcorp Genetics (formerly Invitae), Labcorp
Classification: Uncertain significance for Combined immunodeficiency due to DOCK8 deficiency. Last evaluated: 2024-02-16. Review status: criteria provided, single submitter. Criteria: Invitae Variant Classification Sherloc (09022015). Collection method: clinical testing. Allele origin: germline.
Comment: This sequence change replaces alanine, which is neutral and non-polar, with threonine, which is neutral and polar, at codon 1168 of the DOCK8 protein (p.Ala1168Thr). This variant is not present in population databases (gnomAD no frequency). This variant has not been reported in the literature in individuals affected with DOCK8-related conditions. Advanced modeling of protein sequence and biophysical properties (such as structural, functional, and spatial information, amino acid conservation, physicochemical variation, residue mobility, and thermodynamic stability) performed at Invitae indicates that this missense variant is not expected to disrupt DOCK8 protein function with a negative predictive value of 80%. In summary, the available evidence is currently insufficient to determine the role of this variant in disease. Therefore, it has been classified as a Variant of Uncertain Significance.